The following is an entry in ClinVar:

ClinVar aggregate classification (germline): Uncertain significance (0 of 4 stars; one submission).

Conditions:
SLC12A2-related disorder. Also called: SLC12A2-related condition; SLC12A2-related disorders.

gnomAD v4.1: 2 of 1,608,078 alleles (0.00012%); highest among the groups gnomAD compares: Non-Finnish European, 0.000085%; no homozygotes.

Submission:

PreventionGenetics, part of Exact Sciences
Classification: Uncertain significance for SLC12A2-related condition. Last evaluated: 2024-04-23. Review status: no assertion criteria provided. Collection method: clinical testing. Allele origin: germline.
Comment: The SLC12A2 c.2833C>G variant is predicted to result in the amino acid substitution p.Pro945Ala. To our knowledge, this variant has not been reported in the literature. This variant is reported in 0.00089% of alleles in individuals of European (Non-Finnish) descent in gnomAD. At this time, the clinical significance of this variant is uncertain due to the absence of conclusive functional and genetic evidence.

NM_001046.3(SLC12A2):c.2833C>G (p.Pro945Ala)

Gene: SLC12A2 (solute carrier family 12 member 2; plus strand). Cytogenetic location: 5q23.3.
Variant type: single nucleotide variant.
Coding change: c.2833C>G on transcript NM_001046.3 (MANE Select); coding-DNA position 2833, C replaced by G.
Protein change: p.Pro945Ala; replaces proline 945 with alanine.
Molecular consequence: missense variant. On other transcripts: non-coding transcript variant (1).
Genome position (GRCh38, 1-based): chr5:128,174,570, C>G. VCF-style: chr5-128174570-C-G. GRCh37 (hg19) VCF-style: chr5-127510262-C-G.
Other names: c.2833C>G, p.Pro945Ala (NM_001256461.2); short protein forms P945A.
Identifiers: ClinVar variation 3354568 (VCV003354568.1).